The following is an entry in ClinVar:

ClinVar aggregate classification (germline): Uncertain significance (1 of 4 stars; one submission).

Conditions:
Familial hypocalciuric hypercalcemia (FHH). Also called: Familial benign hypercalcemia. Identifiers: Orphanet 405, MedGen C1809471, MONDO:0018458.
Autosomal dominant hypocalcemia 1 (HYPOC1). Also called: HYPOCALCEMIA, FAMILIAL. Identifiers: MedGen C3715128, MONDO:0011013, OMIM 601198.
Neonatal severe primary hyperparathyroidism. Identifiers: Orphanet 417, MedGen C1832615, MONDO:0009397, OMIM 239200.
Bartter syndrome with hypocalcemia. Also called: Hypocalcemia, autosomal dominant 1, with bartter syndrome. Identifiers: MedGen C4552089, MONDO:0016983.

Submission:

Labcorp Genetics (formerly Invitae), Labcorp
Classification: Uncertain significance for Familial hypocalciuric hypercalcemia; Autosomal dominant hypocalcemia 1. Last evaluated: 2020-12-27. Review status: criteria provided, single submitter. Criteria: Invitae Variant Classification Sherloc (09022015). Collection method: clinical testing. Allele origin: germline.
Comment: In summary, the available evidence is currently insufficient to determine the role of this variant in disease. Therefore, it has been classified as a Variant of Uncertain Significance. Algorithms developed to predict the effect of missense changes on protein structure and function are either unavailable or do not agree on the potential impact of this missense change (SIFT: "Deleterious"; PolyPhen-2: "Probably Damaging"; Align-GVGD: "Class C0"). This variant has not been reported in the literature in individuals with CASR-related conditions. This variant is not present in population databases (ExAC no frequency). This sequence change replaces alanine with proline at codon 835 of the CASR protein (p.Ala835Pro). The alanine residue is highly conserved and there is a small physicochemical difference between alanine and proline.

NM_000388.4(CASR):c.2503G>C (p.Ala835Pro)

Gene: CASR (calcium sensing receptor; plus strand). Cytogenetic location: 3q21.1.
Variant type: single nucleotide variant.
Coding change: c.2503G>C on transcript NM_000388.4 (MANE Select); coding-DNA position 2503, G replaced by C.
Protein change: p.Ala835Pro; replaces alanine 835 with proline.
Molecular consequence: missense variant.
Genome position (GRCh38, 1-based): chr3:122,284,457, G>C. VCF-style: chr3-122284457-G-C. GRCh37 (hg19) VCF-style: chr3-122003304-G-C.
Other names: c.2533G>C, p.Ala845Pro (NM_001178065.2); c.2503G>C (NM_000388.3); short protein forms A835P, A845P.
Identifiers: ClinVar variation 1488458 (VCV001488458.9), dbSNP rs2074939751, ClinGen allele CA354160094.
Genomic context (GRCh38, chr3:122,284,457, plus strand): 5'-TTCATCGTCTGGATCTCCTTCATTCCAGCCTATGCCAGCACCTATGGCAAGTTTGTCTCT[G>C]CCGTAGAGGTGATTGCCATCCTGGCAGCCAGCTTTGGCTTGCTGGCGTGCATCTTCTTCA-3'
Protein context (NP_000379.3, residues 825-845): YASTYGKFVS[Ala835Pro]VEVIAILAAS